The following is an entry in ClinVar:

ClinVar aggregate classification (germline): Uncertain significance (1 of 4 stars; one submission).

Conditions:
Hereditary cancer-predisposing syndrome. Also called: Neoplastic Syndromes, Hereditary; Tumor predisposition; Hereditary neoplastic syndrome; Hereditary Cancer Syndrome. Identifiers: Orphanet 140162, MedGen C0027672, MeSH D009386, MONDO:0015356.

Submission:

Ambry Genetics
Classification: Uncertain significance for Hereditary cancer-predisposing syndrome. Last evaluated: 2024-02-27. Review status: criteria provided, single submitter. Criteria: Ambry Variant Classification Scheme 2023. Collection method: clinical testing. Allele origin: germline.
Comment: The p.T118N variant (also known as c.353C>A), located in coding exon 3 of the RB1 gene, results from a C to A substitution at nucleotide position 353. The threonine at codon 118 is replaced by asparagine, an amino acid with similar properties. This amino acid position is conserved. In addition, the in silico prediction for this alteration is inconclusive. Based on the available evidence, the clinical significance of this alteration remains unclear.

NM_000321.3(RB1):c.353C>A (p.Thr118Asn)

Gene: RB1 (RB transcriptional corepressor 1; plus strand). Cytogenetic location: 13q14.2.
Variant type: single nucleotide variant.
Coding change: c.353C>A on transcript NM_000321.3 (MANE Select); coding-DNA position 353, C replaced by A.
Protein change: p.Thr118Asn; replaces threonine 118 with asparagine.
Molecular consequence: missense variant.
Genome position (GRCh38, 1-based): chr13:48,342,687, C>A. VCF-style: chr13-48342687-C-A. GRCh37 (hg19) VCF-style: chr13-48916823-C-A.
Other names: c.353C>A, p.Thr118Asn (NM_001407165.1, NM_001407166.1); short protein forms T118N.
Identifiers: ClinVar variation 3231236 (VCV003231236.1), dbSNP rs2138083971, ClinGen allele CA388252512.
Genomic context (GRCh38, chr13:48,342,687, plus strand): 5'-TGTGGGGAATCTGTATCTTTATTGCAGCAGTTGACCTAGATGAGATGTCGTTCACTTTTA[C>A]TGAGCTACAGAAAAACATAGAAATCAGGTAAAGTTTCTTGTATAAATATAAGCCTCTGCC-3'
Protein context (NP_000312.2, residues 108-128): VDLDEMSFTF[Thr118Asn]ELQKNIEISV